The following is an entry in ClinVar:

ClinVar aggregate classification (germline): Uncertain significance (1 of 4 stars; one submission).

Submission:

Labcorp Genetics (formerly Invitae), Labcorp
Classification: Uncertain significance. Last evaluated: 2021-12-02. Review status: criteria provided, single submitter. Criteria: Invitae Variant Classification Sherloc (09022015). Collection method: clinical testing. Allele origin: germline.
Comment: In summary, the available evidence is currently insufficient to determine the role of this variant in disease. Therefore, it has been classified as a Variant of Uncertain Significance. Advanced modeling of protein sequence and biophysical properties (such as structural, functional, and spatial information, amino acid conservation, physicochemical variation, residue mobility, and thermodynamic stability) performed at Invitae indicates that this missense variant is not expected to disrupt DCHS1 protein function. This variant has not been reported in the literature in individuals affected with DCHS1-related conditions. This variant is not present in population databases (gnomAD no frequency). This sequence change replaces arginine, which is basic and polar, with glycine, which is neutral and non-polar, at codon 2359 of the DCHS1 protein (p.Arg2359Gly).

NM_003737.4(DCHS1):c.7075C>G (p.Arg2359Gly)

Gene: DCHS1 (dachsous cadherin-related 1; minus strand). Cytogenetic location: 11p15.4.
Variant type: single nucleotide variant.
Coding change: c.7075C>G on transcript NM_003737.4 (MANE Select); coding-DNA position 7075, C replaced by G.
Protein change: p.Arg2359Gly; replaces arginine 2359 with glycine.
Molecular consequence: missense variant.
Genome position (GRCh38, 1-based): chr11:6,625,269, G>C on the plus strand (C>G on the coding strand, the complement: DCHS1 is on the minus strand). VCF-style: chr11-6625269-G-C. GRCh37 (hg19) VCF-style: chr11-6646500-G-C.
Other names: short protein forms R2359G.
Identifiers: ClinVar variation 1416198 (VCV001416198.8), dbSNP rs2659875, ClinGen allele CA379483856.
Genomic context (GRCh38, chr11:6,625,269, plus strand): 5'-TCTGTGAGAAGGCAGGTGCATTGTCATTGACATCCTCCACAAGCACTGTGAGGTTGGCAC[G>C]GCCCTCATGAGGCCCATCATGTGCCAGCAGCTGCAGCTGGTAGCGGTCACACTGCTCAAA-3'
Protein context (NP_003728.1, residues 2349-2369): LLAHDGPHEG[Arg2359Gly]ANLTVLVEDV